The following is an entry in ClinVar:

NM_006389.5(HYOU1):c.650G>A (p.Arg217His)

Gene: HYOU1 (hypoxia up-regulated 1; minus strand). Cytogenetic location: 11q23.3.
Variant type: single nucleotide variant.
Coding change: c.650G>A on transcript NM_006389.5 (MANE Select); coding-DNA position 650, G replaced by A.
Protein change: p.Arg217His; replaces arginine 217 with histidine.
Molecular consequence: missense variant.
Genome position (GRCh38, 1-based): chr11:119,054,522, C>T on the plus strand (G>A on the coding strand, the complement: HYOU1 is on the minus strand). VCF-style: chr11-119054522-C-T. GRCh37 (hg19) VCF-style: chr11-118925234-C-T.
Other names: c.650G>A, p.Arg217His (NM_001130991.3); short protein forms R217H.
Identifiers: ClinVar variation 1423308 (VCV001423308.7), dbSNP rs201120720, ClinGen allele CA229648004.

ClinVar aggregate classification (germline): Uncertain significance. Review status: criteria provided, multiple submitters, no conflicts (2 of 4 stars). 2 submissions from 2 submitters: Uncertain significance (2). Last evaluated 2026-04-07.

Allele frequency attached by ClinVar (database versions not stated): gnomAD 0.00001; gnomAD exomes 0.00002; TOPMed 0.00002.
gnomAD v4.1: 28 of 1,614,036 alleles (0.0017%); highest among the groups gnomAD compares: Admixed American, 0.013%; 1 homozygote.

Submissions (2):

Women's Health and Genetics/Laboratory Corporation of America, LabCorp
Classification: Uncertain significance. Last evaluated: 2026-04-07. Review status: criteria provided, single submitter. Criteria: LabCorp Variant Classification Summary - May 2015. Collection method: clinical testing. Allele origin: germline.

Labcorp Genetics (formerly Invitae), Labcorp
Classification: Uncertain significance. Last evaluated: 2026-01-18. Review status: criteria provided, single submitter. Criteria: Invitae Variant Classification Sherloc (09022015). Collection method: clinical testing. Allele origin: germline.
Comment: This sequence change replaces arginine, which is basic and polar, with histidine, which is basic and polar, at codon 217 of the HYOU1 protein (p.Arg217His). This variant is present in population databases (rs201120720, gnomAD 0.009%). This variant has not been reported in the literature in individuals affected with HYOU1-related conditions. ClinVar contains an entry for this variant (Variation ID: 1423308). An algorithm developed to predict the effect of missense changes on protein structure and function (PolyPhen-2) suggests that this variant is likely to be tolerated. In summary, the available evidence is currently insufficient to determine the role of this variant in disease. Therefore, it has been classified as a Variant of Uncertain Significance.